The following is an entry in ClinVar:

ClinVar aggregate classification (germline): Uncertain significance (1 of 4 stars; one submission).

Conditions:
Familial cold autoinflammatory syndrome 3 (FCAS3). Also called: FAMILIAL ATYPICAL COLD URTICARIA; ANTIBODY DEFICIENCY AND IMMUNE DYSREGULATION, PLCG2-ASSOCIATED. Identifiers: Orphanet 300359, MedGen C3280914, MONDO:0013766, OMIM 614468.

Submission:

Labcorp Genetics (formerly Invitae), Labcorp
Classification: Uncertain significance for Familial cold autoinflammatory syndrome 3. Last evaluated: 2022-07-12. Review status: criteria provided, single submitter. Criteria: Invitae Variant Classification Sherloc (09022015). Collection method: clinical testing. Allele origin: germline.
Comment: In summary, the available evidence is currently insufficient to determine the role of this variant in disease. Therefore, it has been classified as a Variant of Uncertain Significance. Algorithms developed to predict the effect of missense changes on protein structure and function are either unavailable or do not agree on the potential impact of this missense change (SIFT: "Deleterious"; PolyPhen-2: "Possibly Damaging"; Align-GVGD: "Class C0"). ClinVar contains an entry for this variant (Variation ID: 953295). This variant has not been reported in the literature in individuals affected with PLCG2-related conditions. This variant is not present in population databases (gnomAD no frequency). This sequence change replaces lysine, which is basic and polar, with asparagine, which is neutral and polar, at codon 557 of the PLCG2 protein (p.Lys557Asn).

NM_002661.5(PLCG2):c.1671G>C (p.Lys557Asn)

Gene: PLCG2 (phospholipase C gamma 2; plus strand). Cytogenetic location: 16q23.3.
Variant type: single nucleotide variant.
Coding change: c.1671G>C on transcript NM_002661.5 (MANE Select); coding-DNA position 1671, G replaced by C.
Protein change: p.Lys557Asn; replaces lysine 557 with asparagine.
Molecular consequence: missense variant.
Genome position (GRCh38, 1-based): chr16:81,908,529, G>C. VCF-style: chr16-81908529-G-C. GRCh37 (hg19) VCF-style: chr16-81942134-G-C.
Other names: short protein forms K557N.
Identifiers: ClinVar variation 953295 (VCV000953295.9), dbSNP rs372347274, ClinGen allele CA396900290.